The following is an entry in ClinVar:

ClinVar aggregate classification (germline): Uncertain significance (1 of 4 stars; one submission).

Conditions:
Hearing impairment. Also called: Impaired Hearing. Identifiers: MedGen C1384666, MONDO:0005365, HP:0000365.

Submission:

Department of Otolaryngology – Head & Neck Surgery, Cochlear Implant Center
Classification: Uncertain significance for Hearing impairment. Last evaluated: 2021-04-12. Review status: criteria provided, single submitter. Criteria: ClinGen HL ACMG Specifications v1. Collection method: clinical testing. Allele origin: germline. Affected: yes.
Comment: PM2_Moderate, PP3_Supporting

NM_206933.4(USH2A):c.14396C>T (p.Thr4799Ile)

Gene: USH2A (usherin; minus strand). Cytogenetic location: 1q41.
Variant type: single nucleotide variant.
Coding change: c.14396C>T on transcript NM_206933.4 (MANE Select); coding-DNA position 14396, C replaced by T.
Protein change: p.Thr4799Ile; replaces threonine 4799 with isoleucine.
Molecular consequence: missense variant.
Genome position (GRCh38, 1-based): chr1:215,648,714, G>A on the plus strand (C>T on the coding strand, the complement: USH2A is on the minus strand). VCF-style: chr1-215648714-G-A. GRCh37 (hg19) VCF-style: chr1-215822056-G-A.
Other names: short protein forms T4799I.
Identifiers: ClinVar variation 1064905 (VCV001064905.3), dbSNP rs2102643267, ClinGen allele CA344834012.